The following is an entry in ClinVar:

ClinVar aggregate classification (germline): Uncertain significance. Review status: criteria provided, multiple submitters, no conflicts (2 of 4 stars). 2 submissions from 2 submitters: Uncertain significance (2). Last evaluated 2025-07-01.

Conditions:
CEP290-related disorder. Also called: CEP290-related condition; CEP290-related disorders. Identifiers: MedGen CN239314.

gnomAD v4.1: 10 of 1,596,020 alleles (0.00063%); highest among the groups gnomAD compares: Non-Finnish European, 0.00086%; no homozygotes.

Submissions (2):

PreventionGenetics, part of Exact Sciences
Classification: Uncertain significance for CEP290-related condition. Last evaluated: 2025-07-01. Review status: criteria provided, single submitter. Criteria: ACMG Guidelines, 2015. Collection method: clinical testing. Allele origin: germline.
Comment: The CEP290 c.4274A>G variant is predicted to result in the amino acid substitution p.Gln1425Arg. To our knowledge, this variant has not been reported in the literature. This variant is absent in a large population database (gnomAD). At this time, the clinical significance of this variant is uncertain due to the absence of conclusive functional and genetic evidence.

Blueprint Genetics
Classification: Uncertain significance. Last evaluated: 2019-08-18. Review status: criteria provided, single submitter. Criteria: ACMG Guidelines, 2015. Collection method: clinical testing. Allele origin: germline.

NM_025114.4(CEP290):c.4274A>G (p.Gln1425Arg)

Gene: CEP290 (centrosomal protein 290; minus strand). Cytogenetic location: 12q21.32.
Variant type: single nucleotide variant.
Coding change: c.4274A>G on transcript NM_025114.4 (MANE Select); coding-DNA position 4274, A replaced by G.
Protein change: p.Gln1425Arg; replaces glutamine 1425 with arginine.
Molecular consequence: missense variant.
Genome position (GRCh38, 1-based): chr12:88,086,419, T>C on the plus strand (A>G on the coding strand, the complement: CEP290 is on the minus strand). VCF-style: chr12-88086419-T-C. GRCh37 (hg19) VCF-style: chr12-88480196-T-C.
Other names: c.4274A>G (NM_025114.3); short protein forms Q1425R.
Identifiers: ClinVar variation 4917872 (VCV004917872.2).